The following is an entry in ClinVar:

NM_020987.5(ANK3):c.6011C>T (p.Ala2004Val)

Gene: ANK3 (ankyrin 3; minus strand). Cytogenetic location: 10q21.2.
Variant type: single nucleotide variant.
Coding change: c.6011C>T on transcript NM_020987.5 (MANE Select); coding-DNA position 6011, C replaced by T.
Protein change: p.Ala2004Val; replaces alanine 2004 with valine.
Molecular consequence: missense variant. On other transcripts: intron variant (4).
Genome position (GRCh38, 1-based): chr10:60,074,870, G>A on the plus strand (C>T on the coding strand, the complement: ANK3 is on the minus strand). VCF-style: chr10-60074870-G-A. GRCh37 (hg19) VCF-style: chr10-61834628-G-A.
Other names: c.4387+5667C>T (NM_001204403.2); c.4408+5667C>T (NM_001204404.2); c.4405+5667C>T (NM_001320874.2); c.1807+5667C>T (NM_001149.4); short protein forms A2004V.
Identifiers: ClinVar variation 726790 (VCV000726790.12), dbSNP rs76855192, ClinGen allele CA5511931.

ClinVar aggregate classification (germline): Benign. Review status: criteria provided, multiple submitters, no conflicts (2 of 4 stars). 3 submissions from 3 submitters: Benign (2). 1 of the submissions does not count toward it. Last evaluated 2026-01-26.

Conditions:
ANK3-related disorder. Also called: ANK3-related condition.

Allele frequency attached by ClinVar (database versions not stated): ESP Exome Variant Server 0.00700; gnomAD 0.00564; 1000 Genomes Project 0.00459; 1000 Genomes Project 30x 0.00515; TOPMed 0.00624.
gnomAD v4.1: 1,531 of 1,613,778 alleles (0.095%); highest among the groups gnomAD compares: African/African-American, 1.9%; 8 homozygotes.

Submissions (3):

Labcorp Genetics (formerly Invitae), Labcorp
Classification: Benign. Last evaluated: 2026-01-26. Review status: criteria provided, single submitter. Criteria: Invitae Variant Classification Sherloc (09022015). Collection method: clinical testing. Allele origin: germline.

Breakthrough Genomics
Classification: Benign. Review status: criteria provided, single submitter. Criteria: ACMG Guidelines, 2015. Collection method: not provided. Allele origin: germline. Inheritance: Autosomal recessive inheritance. Affected: yes.

PreventionGenetics, part of Exact Sciences
Classification: Benign for ANK3-related condition. Last evaluated: 2019-05-31. Review status: no assertion criteria provided. Collection method: clinical testing. Allele origin: germline. Not counted in ClinVar's aggregate classification.
Comment: This variant is classified as benign based on ACMG/AMP sequence variant interpretation guidelines (Richards et al. 2015 PMID: 25741868, with internal and published modifications).